The following is an entry in ClinVar:

ClinVar aggregate classification (germline): Uncertain significance (1 of 4 stars; one submission).

Conditions:
Hereditary cancer-predisposing syndrome. Also called: Neoplastic Syndromes, Hereditary; Tumor predisposition; Hereditary neoplastic syndrome; Hereditary Cancer Syndrome. Identifiers: Orphanet 140162, MedGen C0027672, MeSH D009386, MONDO:0015356.

Submission:

Ambry Genetics
Classification: Uncertain significance for Hereditary cancer-predisposing syndrome. Last evaluated: 2025-05-21. Review status: criteria provided, single submitter. Criteria: Ambry Variant Classification Scheme 2023. Collection method: clinical testing. Allele origin: germline.
Comment: The p.V731I variant (also known as c.2191G>A), located in coding exon 15 of the KIT gene, results from a G to A substitution at nucleotide position 2191. The valine at codon 731 is replaced by isoleucine, an amino acid with highly similar properties. This amino acid position is conserved. In addition, this alteration is predicted to be tolerated by in silico analysis. Based on the available evidence, the clinical significance of this variant remains unclear.

NM_000222.3(KIT):c.2191G>A (p.Val731Ile)

Gene: KIT (KIT proto-oncogene, receptor tyrosine kinase; plus strand). Cytogenetic location: 4q12.
Variant type: single nucleotide variant.
Coding change: c.2191G>A on transcript NM_000222.3 (MANE Select); coding-DNA position 2191, G replaced by A.
Protein change: p.Val731Ile; replaces valine 731 with isoleucine.
Molecular consequence: missense variant.
Genome position (GRCh38, 1-based): chr4:54,731,377, G>A. VCF-style: chr4-54731377-G-A. GRCh37 (hg19) VCF-style: chr4-55597543-G-A.
Other names: c.2179G>A, p.Val727Ile (NM_001093772.2, NM_001385292.1); c.2194G>A, p.Val732Ile (NM_001385284.1); c.2188G>A, p.Val730Ile (NM_001385285.1); c.2176G>A, p.Val726Ile (NM_001385286.1); c.2182G>A, p.Val728Ile (NM_001385288.1); c.2191G>A, p.Val731Ile (NM_001385290.1); short protein forms V728I, V730I, V731I, V726I, V727I, V732I.
Identifiers: ClinVar variation 4043737 (VCV004043737.1).
Genomic context (GRCh38, chr4:54,731,377, plus strand): 5'-ATCTCTCCCAGCAGCGATAGTACTAATGAGTACATGGACATGAAACCTGGAGTTTCTTAT[G>A]TTGTCCCAACCAAGGCCGACAAAAGGAGATCTGTGAGAATAGGTGAGTACCTACCTATCA-3'
Protein context (NP_000213.1, residues 721-741): YMDMKPGVSY[Val731Ile]VPTKADKRRS